The following is an entry in ClinVar:

ClinVar aggregate classification (germline): Uncertain significance (1 of 4 stars; one submission).

Submission:

Ambry Genetics
Classification: Uncertain significance. Last evaluated: 2025-05-02. Review status: criteria provided, single submitter. Criteria: Ambry Variant Classification Scheme 2023. Collection method: clinical testing. Allele origin: germline.
Comment: The p.K39N variant (also known as c.117A>C), located in coding exon 2 of the RECQL gene, results from an A to C substitution at nucleotide position 117. The lysine at codon 39 is replaced by asparagine, an amino acid with similar properties. This amino acid position is conserved. In addition, this alteration is predicted to be tolerated by in silico analysis. Since supporting evidence is limited at this time, the clinical significance of this alteration remains unclear.

NM_002907.4(RECQL):c.117A>C (p.Lys39Asn)

Gene: RECQL (RecQ like helicase; minus strand). Cytogenetic location: 12p12.1.
Variant type: single nucleotide variant.
Coding change: c.117A>C on transcript NM_002907.4 (MANE Select); coding-DNA position 117, A replaced by C.
Protein change: p.Lys39Asn; replaces lysine 39 with asparagine.
Molecular consequence: missense variant.
Genome position (GRCh38, 1-based): chr12:21,491,616, T>G on the plus strand (A>C on the coding strand, the complement: RECQL is on the minus strand). VCF-style: chr12-21491616-T-G. GRCh37 (hg19) VCF-style: chr12-21644550-T-G.
Other names: c.117A>C, p.Lys39Asn (NM_032941.3); short protein forms K39N.
Identifiers: ClinVar variation 1741661 (VCV001741661.3), dbSNP rs2540405196, ClinGen allele CA384134525.